The following is an entry in ClinVar:

NM_000260.4(MYO7A):c.4118G>C (p.Arg1373Pro)

Gene: MYO7A (myosin VIIA; plus strand). Cytogenetic location: 11q13.5.
Variant type: single nucleotide variant.
Coding change: c.4118G>C on transcript NM_000260.4 (MANE Select); coding-DNA position 4118, G replaced by C.
Protein change: p.Arg1373Pro; replaces arginine 1373 with proline.
Molecular consequence: missense variant.
Genome position (GRCh38, 1-based): chr11:77,192,244, G>C. VCF-style: chr11-77192244-G-C. GRCh37 (hg19) VCF-style: chr11-76903289-G-C.
Other names: c.4118G>C, p.Arg1373Pro (NM_001127180.2); c.4085G>C, p.Arg1362Pro (NM_001369365.1); short protein forms R1362P, R1373P.
Identifiers: ClinVar variation 957368 (VCV000957368.8), dbSNP rs886048677, ClinGen allele CA381948980.

ClinVar aggregate classification (germline): Uncertain significance. Review status: criteria provided, multiple submitters, no conflicts (2 of 4 stars). 2 submissions from 2 submitters: Uncertain significance (2). Last evaluated 2022-10-17.

gnomAD v4.1: 3 of 1,613,946 alleles (0.00019%); highest among the groups gnomAD compares: Non-Finnish European, 0.00017%; no homozygotes.

Submissions (2):

Labcorp Genetics (formerly Invitae), Labcorp
Classification: Uncertain significance. Last evaluated: 2022-10-17. Review status: criteria provided, single submitter. Criteria: Invitae Variant Classification Sherloc (09022015). Collection method: clinical testing. Allele origin: germline.
Comment: This sequence change replaces arginine, which is basic and polar, with proline, which is neutral and non-polar, at codon 1373 of the MYO7A protein (p.Arg1373Pro). This variant is not present in population databases (gnomAD no frequency). This missense change has been observed in individual(s) with clinical features of autosomal recessive Usher syndrome (Invitae). ClinVar contains an entry for this variant (Variation ID: 957368). Advanced modeling of protein sequence and biophysical properties (such as structural, functional, and spatial information, amino acid conservation, physicochemical variation, residue mobility, and thermodynamic stability) performed at Invitae indicates that this missense variant is expected to disrupt MYO7A protein function. In summary, the available evidence is currently insufficient to determine the role of this variant in disease. Therefore, it has been classified as a Variant of Uncertain Significance.

Blueprint Genetics
Classification: Uncertain significance. Last evaluated: 2018-08-02. Review status: criteria provided, single submitter. Criteria: ACMG Guidelines, 2015. Collection method: clinical testing. Allele origin: germline.